The following is an entry in ClinVar:

NM_001077350.3(NPRL3):c.1108T>G (p.Leu370Val)

Genes: HBA-LCR (alpha-globin locus control region; plus strand), NPRL3 (NPR3 like, GATOR1 complex subunit; minus strand). Cytogenetic location: 16p13.3.
Variant type: single nucleotide variant.
Coding change: c.1108T>G on transcript NM_001077350.3 (MANE Select); coding-DNA position 1108, T replaced by G.
Protein change: p.Leu370Val; replaces leucine 370 with valine.
Molecular consequence: missense variant.
Genome position (GRCh38, 1-based): chr16:92,649, A>C on the plus strand (T>G on the coding strand, the complement: NPRL3 is on the minus strand). VCF-style: chr16-92649-A-C. GRCh37 (hg19) VCF-style: chr16-142647-A-C.
Other names: c.1033T>G, p.Leu345Val (NM_001243248.2, NM_001243249.2); c.571T>G, p.Leu191Val (NM_001039476.3); c.874T>G, p.Leu292Val (NM_001243247.2); short protein forms L345V, L191V, L292V, L370V.
Identifiers: ClinVar variation 4781683 (VCV004781683.1).

ClinVar aggregate classification (germline): Uncertain significance (1 of 4 stars; one submission).

Conditions:
Epilepsy, familial focal, with variable foci 3 (FFEVF3). Identifiers: MedGen C4310708, MONDO:0014925, OMIM 617118.

Submission:

Labcorp Genetics (formerly Invitae), Labcorp
Classification: Uncertain significance for Epilepsy, familial focal, with variable foci 3. Last evaluated: 2025-08-29. Review status: criteria provided, single submitter. Criteria: Invitae Variant Classification Sherloc (09022015). Collection method: clinical testing. Allele origin: germline.
Comment: This sequence change replaces leucine, which is neutral and non-polar, with valine, which is neutral and non-polar, at codon 370 of the NPRL3 protein (p.Leu370Val). This variant is not present in population databases (gnomAD no frequency). This variant has not been reported in the literature in individuals affected with NPRL3-related conditions. Invitae Evidence Modeling of protein sequence and biophysical properties (such as structural, functional, and spatial information, amino acid conservation, physicochemical variation, residue mobility, and thermodynamic stability) indicates that this missense variant is not expected to disrupt NPRL3 protein function with a negative predictive value of 80%. In summary, the available evidence is currently insufficient to determine the role of this variant in disease. Therefore, it has been classified as a Variant of Uncertain Significance.